The following is an entry in ClinVar:

NM_006218.4(PIK3CA):c.225A>G (p.Gln75=)

Gene: PIK3CA (phosphatidylinositol-4,5-bisphosphate 3-kinase catalytic subunit alpha; plus strand). Cytogenetic location: 3q26.32.
Variant type: single nucleotide variant.
Coding change: c.225A>G on transcript NM_006218.4 (MANE Select); coding-DNA position 225, A replaced by G.
Protein change: p.Gln75=; no amino-acid change (glutamine 75 retained).
Molecular consequence: synonymous variant.
Genome position (GRCh38, 1-based): chr3:179,199,050, A>G. VCF-style: chr3-179199050-A-G. GRCh37 (hg19) VCF-style: chr3-178916838-A-G.
Other names: c.225A>G (LRG_310t1, NM_006218.3).
Identifiers: ClinVar variation 456538 (VCV000456538.50), dbSNP rs202176973, ClinGen allele CA2710512.

ClinVar aggregate classification (germline): Likely benign. Review status: criteria provided, multiple submitters, no conflicts (2 of 4 stars). 5 submissions from 5 submitters: Likely benign (4). 1 of the submissions does not count toward it. Last evaluated 2025-08-21.

Conditions:
Cowden syndrome (CS). Also called: Cowden's disease; Cowden's syndrome; Cowden disease. Identifiers: Orphanet 201, MedGen C0018553, MONDO:0016063. Disease mechanism: gain of function.
PIK3CA-related disorder. Also called: PIK3CA- related disease; PIK3CA-related condition; PIK3CA-related disorders.
Inborn genetic diseases. Identifiers: MedGen C0950123, MeSH D030342.

Allele frequency attached by ClinVar (database versions not stated): ExAC 0.00004; gnomAD exomes 0.00004 and 0.00013; ESP Exome Variant Server 0.00008; TOPMed 0.00008; gnomAD 0.00009.
gnomAD v4.1: 205 of 1,613,598 alleles (0.013%); highest among the groups gnomAD compares: Non-Finnish European, 0.016%; no homozygotes.

Submissions (5):

Labcorp Genetics (formerly Invitae), Labcorp
Classification: Likely benign for Cowden syndrome. Last evaluated: 2025-08-21. Review status: criteria provided, single submitter. Criteria: Invitae Variant Classification Sherloc (09022015). Collection method: clinical testing. Allele origin: germline.

Blueprint Genetics
Classification: Likely benign. Last evaluated: 2023-10-17. Review status: criteria provided, single submitter. Criteria: ACMG Guidelines, 2015. Collection method: clinical testing. Allele origin: germline.

Ambry Genetics
Classification: Likely benign for Inborn genetic diseases. Last evaluated: 2022-02-18. Review status: criteria provided, single submitter. Criteria: Ambry Variant Classification Scheme 2023. Collection method: clinical testing. Allele origin: germline.

CeGaT Center for Human Genetics Tuebingen
Classification: Likely benign. Last evaluated: 2021-10-01. Review status: criteria provided, single submitter. Criteria: CeGaT Center For Human Genetics Tuebingen Variant Classification Criteria Version 2. Collection method: clinical testing. Allele origin: germline. Affected: yes. Observed: 1 variant allele.

PreventionGenetics, part of Exact Sciences
Classification: Likely benign for PIK3CA-related condition. Last evaluated: 2023-06-12. Review status: no assertion criteria provided. Collection method: clinical testing. Allele origin: germline. Not counted in ClinVar's aggregate classification.
Comment: This variant is classified as likely benign based on ACMG/AMP sequence variant interpretation guidelines (Richards et al. 2015 PMID: 25741868, with internal and published modifications).